The following is an entry in ClinVar:

NM_014795.4(ZEB2):c.1189T>G (p.Phe397Val)

Gene: ZEB2 (zinc finger E-box binding homeobox 2; minus strand). Cytogenetic location: 2q22.3.
Variant type: single nucleotide variant.
Coding change: c.1189T>G on transcript NM_014795.4 (MANE Select); coding-DNA position 1189, T replaced by G.
Protein change: p.Phe397Val; replaces phenylalanine 397 with valine.
Molecular consequence: missense variant.
Genome position (GRCh38, 1-based): chr2:144,399,998, A>C on the plus strand (T>G on the coding strand, the complement: ZEB2 is on the minus strand). VCF-style: chr2-144399998-A-C. GRCh37 (hg19) VCF-style: chr2-145157565-A-C.
Other names: c.1117T>G, p.Phe373Val (NM_001171653.2); short protein forms F373V, F397V.
Identifiers: ClinVar variation 3344199 (VCV003344199.2).

ClinVar aggregate classification (germline): Uncertain significance. Review status: criteria provided, single submitter (1 of 4 stars). 2 submissions from 2 submitters: Uncertain significance (1). 1 of the submissions does not count toward it. Last evaluated 2025-05-18.

Conditions:
Mowat-Wilson syndrome (MOWS). Also called: Classic Mowat-Wilson Syndrome. Identifiers: Orphanet 2152, MedGen C1856113, MONDO:0009341, OMIM 235730.
ZEB2-related disorder. Also called: ZEB2-related condition.

Submissions (2):

Labcorp Genetics (formerly Invitae), Labcorp
Classification: Uncertain significance for Mowat-Wilson syndrome. Last evaluated: 2025-05-18. Review status: criteria provided, single submitter. Criteria: Invitae Variant Classification Sherloc (09022015). Collection method: clinical testing. Allele origin: germline.
Comment: This sequence change replaces phenylalanine, which is neutral and non-polar, with valine, which is neutral and non-polar, at codon 397 of the ZEB2 protein (p.Phe397Val). This variant is not present in population databases (gnomAD no frequency). This variant has not been reported in the literature in individuals affected with ZEB2-related conditions. ClinVar contains an entry for this variant (Variation ID: 3344199). Invitae Evidence Modeling of protein sequence and biophysical properties (such as structural, functional, and spatial information, amino acid conservation, physicochemical variation, residue mobility, and thermodynamic stability) indicates that this missense variant is not expected to disrupt ZEB2 protein function with a negative predictive value of 80%. In summary, the available evidence is currently insufficient to determine the role of this variant in disease. Therefore, it has been classified as a Variant of Uncertain Significance.

PreventionGenetics, part of Exact Sciences
Classification: Uncertain significance for ZEB2-related condition. Last evaluated: 2024-09-20. Review status: no assertion criteria provided. Collection method: clinical testing. Allele origin: germline. Not counted in ClinVar's aggregate classification.
Comment: The ZEB2 c.1189T>G variant is predicted to result in the amino acid substitution p.Phe397Val. To our knowledge, this variant has not been reported in the literature or in a large population database, indicating this variant is rare. At this time, the clinical significance of this variant is uncertain due to the absence of conclusive functional and genetic evidence.